The following is an entry in ClinVar:

ClinVar aggregate classification (germline): Uncertain significance (0 of 4 stars; one submission).

Conditions:
RAB23-related disorder. Also called: RAB23-related condition.

Submission:

PreventionGenetics, part of Exact Sciences
Classification: Uncertain significance for RAB23-related condition. Last evaluated: 2024-04-13. Review status: no assertion criteria provided. Collection method: clinical testing. Allele origin: germline.
Comment: The RAB23 c.563G>A variant is predicted to result in the amino acid substitution p.Ser188Asn. To our knowledge, this variant has not been reported in the literature or in a large population database, indicating this variant is rare. At this time, the clinical significance of this variant is uncertain due to the absence of conclusive functional and genetic evidence.

NM_016277.5(RAB23):c.563G>A (p.Ser188Asn)

Gene: RAB23 (RAB23, member RAS oncogene family; minus strand). Cytogenetic location: 6p12.1.
Variant type: single nucleotide variant.
Coding change: c.563G>A on transcript NM_016277.5 (MANE Select); coding-DNA position 563, G replaced by A.
Protein change: p.Ser188Asn; replaces serine 188 with asparagine.
Molecular consequence: missense variant. On other transcripts: non-coding transcript variant (1).
Genome position (GRCh38, 1-based): chr6:57,193,853, C>T on the plus strand (G>A on the coding strand, the complement: RAB23 is on the minus strand). VCF-style: chr6-57193853-C-T. GRCh37 (hg19) VCF-style: chr6-57058651-C-T.
Other names: c.563G>A, p.Ser188Asn (NM_001278666.2, NM_001278667.2, NM_001278668.2 and 1 more transcripts); short protein forms S188N.
Identifiers: ClinVar variation 3347427 (VCV003347427.1).
Genomic context (GRCh38, chr6:57,193,853, plus strand): 5'-TTTTTAACTTTACCAAGTAAACATGGGCTAAAATTTCCTATGTACTTACCAATCTTGTTA[C>T]TACTTGAATGCGTTAGTTCTGGATCCTCAGCTATTTGTTGTTTGAGTTTCTGAAGGTATT-3'
Protein context (NP_057361.3, residues 178-198): AEDPELTHSS[Ser188Asn]NKIGVFNTSG